The following is an entry in ClinVar:

NM_138576.4(BCL11B):c.380T>C (p.Leu127Pro)

Gene: BCL11B (BCL11 transcription factor B; minus strand). Cytogenetic location: 14q32.2.
Variant type: single nucleotide variant.
Coding change: c.380T>C on transcript NM_138576.4 (MANE Select); coding-DNA position 380, T replaced by C.
Protein change: p.Leu127Pro; replaces leucine 127 with proline.
Molecular consequence: missense variant.
Genome position (GRCh38, 1-based): chr14:99,257,518, A>G on the plus strand (T>C on the coding strand, the complement: BCL11B is on the minus strand). VCF-style: chr14-99257518-A-G. GRCh37 (hg19) VCF-style: chr14-99723855-A-G.
Other names: c.377T>C, p.Leu126Pro (NM_001282237.2, NM_001282238.2); c.380T>C, p.Leu127Pro (NM_022898.3); short protein forms L126P, L127P.
Identifiers: ClinVar variation 2231795 (VCV002231795.4), dbSNP rs753885134, ClinGen allele CA7339901.

ClinVar aggregate classification (germline): Uncertain significance. Review status: criteria provided, multiple submitters, no conflicts (2 of 4 stars). 2 submissions from 2 submitters: Uncertain significance (2). Last evaluated 2024-12-03.

Conditions:
Inborn genetic diseases. Identifiers: MedGen C0950123, MeSH D030342.

Allele frequency attached by ClinVar (database versions not stated): gnomAD exomes below 0.00001; ExAC 0.00001; gnomAD 0.00001.
gnomAD v4.1: 3 of 1,613,042 alleles (0.00019%); highest among the groups gnomAD compares: Non-Finnish European, 0.00025%; no homozygotes.

Submissions (2):

Labcorp Genetics (formerly Invitae), Labcorp
Classification: Uncertain significance. Last evaluated: 2024-12-03. Review status: criteria provided, single submitter. Criteria: Invitae Variant Classification Sherloc (09022015). Collection method: clinical testing. Allele origin: germline.
Comment: This sequence change replaces leucine, which is neutral and non-polar, with proline, which is neutral and non-polar, at codon 127 of the BCL11B protein (p.Leu127Pro). This variant is not present in population databases (gnomAD no frequency). This variant has not been reported in the literature in individuals affected with BCL11B-related conditions. ClinVar contains an entry for this variant (Variation ID: 2231795). Invitae Evidence Modeling of protein sequence and biophysical properties (such as structural, functional, and spatial information, amino acid conservation, physicochemical variation, residue mobility, and thermodynamic stability) indicates that this missense variant is not expected to disrupt BCL11B protein function with a negative predictive value of 95%. In summary, the available evidence is currently insufficient to determine the role of this variant in disease. Therefore, it has been classified as a Variant of Uncertain Significance.

Ambry Genetics
Classification: Uncertain significance for Inborn genetic diseases. Last evaluated: 2021-07-19. Review status: criteria provided, single submitter. Criteria: Ambry Variant Classification Scheme 2023. Collection method: clinical testing. Allele origin: germline.